The following is an entry in ClinVar:

NM_001122630.2(CDKN1C):c.317C>T (p.Pro106Leu)

Gene: CDKN1C (cyclin dependent kinase inhibitor 1C; minus strand). Cytogenetic location: 11p15.4.
Variant type: single nucleotide variant.
Coding change: c.317C>T on transcript NM_001122630.2 (MANE Select); coding-DNA position 317, C replaced by T.
Protein change: p.Pro106Leu; replaces proline 106 with leucine.
Molecular consequence: missense variant. On other transcripts: intron variant (1).
Genome position (GRCh38, 1-based): chr11:2,885,140, G>A on the plus strand (C>T on the coding strand, the complement: CDKN1C is on the minus strand). VCF-style: chr11-2885140-G-A. GRCh37 (hg19) VCF-style: chr11-2906370-G-A.
Other names: c.350C>T, p.Pro117Leu (LRG_533t1, NM_000076.2, NM_001362474.2); c.317C>T, p.Pro106Leu (NM_001122631.2); c.255+62C>T (NM_001362475.2); short protein forms P106L, P117L.
Identifiers: ClinVar variation 647908 (VCV000647908.11), dbSNP rs945890937, ClinGen allele CA379146878.
Genomic context (GRCh38, chr11:2,885,140, plus strand): 5'-GGCAGCTGCTCCGGCGCCTCCTCGAGGCCGTCGAGGGACTCAGCGGCCGGCTCGAGGGGC[G>A]GGCTGACAGCCACCGCGACCGCGACGGGCCGCGGCGCCAGCAGCAGGCGGCAGCGCCCCA-3'
Protein context (NP_001116102.1, residues 96-116): RPVAVAVAVS[Pro106Leu]PLEPAAESLD

ClinVar aggregate classification (germline): Uncertain significance. Review status: criteria provided, multiple submitters, no conflicts (2 of 4 stars). 4 submissions from 4 submitters: Uncertain significance (4). Last evaluated 2025-07-12.

Conditions:
IMAGe syndrome. Also called: Intrauterine growth retardation, metaphyseal dysplasia, adrenal hypoplasia congenita, and genital anomalies; Intrauterine Growth Restriction, Metaphyseal Dysplasia, Adrenal Hypoplasia Congenita, and Genital Anomalies. Identifiers: Orphanet 85173, MedGen C1846009, MONDO:0013873, OMIM 614732.
Beckwith-Wiedemann syndrome (BWS). Also called: EMG SYNDROME; Exomphalos macroglossia gigantism syndrome. Identifiers: Orphanet 116, MedGen C0004903, MONDO:0007534, OMIM 130650.
Inborn genetic diseases. Identifiers: MedGen C0950123, MeSH D030342.

gnomAD v4.1: 1 of 1,500,062 alleles (0.000067%); highest among the groups gnomAD compares: Non-Finnish European, 0.000088%; no homozygotes.

Submissions (4):

Ambry Genetics
Classification: Uncertain significance for Inborn genetic diseases. Last evaluated: 2025-07-12. Review status: criteria provided, single submitter. Criteria: Ambry Variant Classification Scheme 2023. Collection method: clinical testing. Allele origin: germline.

Fulgent Genetics
Classification: Uncertain significance for Beckwith-Wiedemann syndrome; IMAGe syndrome. Last evaluated: 2024-01-05. Review status: criteria provided, single submitter. Criteria: ACMG Guidelines, 2015. Collection method: clinical testing. Allele origin: germline.

Blueprint Genetics
Classification: Uncertain significance. Last evaluated: 2023-04-05. Review status: criteria provided, single submitter. Criteria: ACMG Guidelines, 2015. Collection method: clinical testing. Allele origin: germline.

Labcorp Genetics (formerly Invitae), Labcorp
Classification: Uncertain significance for Beckwith-Wiedemann syndrome. Last evaluated: 2018-12-16. Review status: criteria provided, single submitter. Criteria: Invitae Variant Classification Sherloc (09022015). Collection method: clinical testing. Allele origin: germline.
Comment: This variant has not been reported in the literature in individuals with CDKN1C-related conditions. In summary, the available evidence is currently insufficient to determine the role of this variant in disease. Therefore, it has been classified as a Variant of Uncertain Significance. Algorithms developed to predict the effect of missense changes on protein structure and function are either unavailable or do not agree on the potential impact of this missense change (SIFT: "Tolerated"; PolyPhen-2: "Probably Damaging"; Align-GVGD: "Class C0"). The frequency data for this variant in the population databases is considered unreliable, as metrics indicate insufficient coverage at this position in the ExAC database. This sequence change replaces proline with leucine at codon 117 of the CDKN1C protein (p.Pro117Leu). The proline residue is moderately conserved and there is a moderate physicochemical difference between proline and leucine.